The following is an entry in ClinVar:

ClinVar aggregate classification (germline): Likely pathogenic (1 of 4 stars; one submission).

Conditions:
Charcot-Marie-Tooth disease type 4. Also called: Charcot-Marie-Tooth disease, type IV; Charcot-Marie-Tooth, Type 4. Identifiers: Orphanet 64749, MedGen C4082197, MONDO:0018995.

Submission:

Labcorp Genetics (formerly Invitae), Labcorp
Classification: Likely pathogenic for Charcot-Marie-Tooth disease type 4. Last evaluated: 2019-12-11. Review status: criteria provided, single submitter. Criteria: Invitae Variant Classification Sherloc (09022015). Collection method: clinical testing. Allele origin: germline.
Comment: This variant results in the deletion of exon 18 and part of exon 19 (c.1929+15398_2137del) of the SBF2 gene. It is expected to disrupt RNA splicing and likely results in an absent or disrupted protein product. This variant has not been reported in the literature in individuals with SBF2-related conditions. ClinVar contains an entry for this variant (Variation ID: 649478). Loss-of-function variants in SBF2 are known to be pathogenic (PMID: 12687498, 25873783). In summary, the currently available evidence indicates that the variant is pathogenic, but additional data are needed to prove that conclusively. Therefore, this variant has been classified as Likely Pathogenic.

NM_030962.3(SBF2):c.1929+15398_2137del

Genes: SBF2 (SET binding factor 2; minus strand), LOC101928008 (uncharacterized LOC101928008; plus strand). Cytogenetic location: 11p15.4.
Variant type: Deletion.
Coding change: c.1929+15398_2137del on transcript NM_030962.3; 15398 bases into the intron after coding-DNA position 1929 through coding-DNA position 2137, this stretch deleted.
Other names: c.1929+15398_2137del (LRG_267t1).
Identifiers: ClinVar variation 649478 (VCV000649478.2).